The following is an entry in ClinVar:

NM_181523.3(PIK3R1):c.769A>C (p.Asn257His)

Gene: PIK3R1 (phosphoinositide-3-kinase regulatory subunit 1; plus strand). Cytogenetic location: 5q13.1.
Variant type: single nucleotide variant.
Coding change: c.769A>C on transcript NM_181523.3 (MANE Select); coding-DNA position 769, A replaced by C.
Protein change: p.Asn257His; replaces asparagine 257 with histidine.
Molecular consequence: missense variant.
Genome position (GRCh38, 1-based): chr5:68,280,662, A>C. VCF-style: chr5-68280662-A-C. GRCh37 (hg19) VCF-style: chr5-67576490-A-C.
Other names: short protein forms N257H.
Identifiers: ClinVar variation 931810 (VCV000931810.3), dbSNP rs1746797117, ClinGen allele CA359875484.

ClinVar aggregate classification (germline): Uncertain significance (1 of 4 stars; one submission).

Conditions:
Immunodeficiency 36 with lymphoproliferation. Also called: Immunodeficiency 36; Activated PI3K Delta Syndrome Type 2 (APDS2); ACTIVATED PI3K-DELTA SYNDROME 2. Identifiers: Orphanet 397596, Orphanet 693681, MedGen C4014934, MONDO:0014453, OMIM 616005.

Submission:

Centre for Mendelian Genomics, University Medical Centre Ljubljana
Classification: Uncertain significance for Immunodeficiency 36 with lymphoproliferation. Last evaluated: 2018-10-03. Review status: criteria provided, single submitter. Criteria: ACMG Guidelines, 2015. Collection method: clinical testing. Allele origin: unknown. Affected: yes.
Comment: This variant was classified as: Uncertain significance. The available evidence on this variant's pathogenicity is insufficient or conflicting. The following ACMG criteria were applied in classifying this variant: PM2,PP3.